The following is an entry in ClinVar:

ClinVar aggregate classification (germline): Conflicting classifications of pathogenicity. Review status: criteria provided, conflicting classifications (1 of 4 stars). 4 submissions from 4 submitters: Pathogenic (1); Uncertain significance (2). 1 of the submissions does not count toward it. Last evaluated 2026-01-14.

Conditions:
USH2A-related disorder. Also called: USH2A-related condition; USH2A-related disorders. Identifiers: MedGen CN239332.
Retinitis pigmentosa (RP). Identifiers: Orphanet 791, MedGen C0035334, MeSH D012174, MONDO:0019200, OMIM 268000. Inheritance: Autosomal dominant, autosomal recessive and X linked inheritance.

Allele frequency attached by ClinVar (database versions not stated): gnomAD exomes 0.00001 and 0.00002; ExAC 0.00004.
gnomAD v4.1: 7 of 1,613,382 alleles (0.00043%); highest among the groups gnomAD compares: Non-Finnish European, 0.00051%; no homozygotes.

Submissions (4):

Myriad Genetics, Inc.
Classification: Uncertain significance for USH2A-related disorder. Last evaluated: 2026-01-14. Review status: criteria provided, single submitter. Criteria: Myriad Autosomal Dominant, Autosomal Recessive and X-Linked Classification Criteria (2023). Collection method: clinical testing. Allele origin: unknown.
Comment: NM_206933.2(USH2A):c.4146G>C(W1382C) is a missense variant classified as a variant of uncertain significance in the context of USH2A-related disorders. W1382C has been observed in a case with relevant disease (PMID: 30718709). Relevant functional assessments of this variant are not available in the literature. W1382C has been observed in referenced population frequency databases. In summary, there is insufficient evidence to classify NM_206933.2(USH2A):c.4146G>C(W1382C) as pathogenic or benign. Please note: this variant was assessed in the context of healthy population screening.

Labcorp Genetics (formerly Invitae), Labcorp
Classification: Pathogenic. Last evaluated: 2022-10-17. Review status: criteria provided, single submitter. Criteria: Invitae Variant Classification Sherloc (09022015). Collection method: clinical testing. Allele origin: germline.
Comment: For these reasons, this variant has been classified as Pathogenic. This variant disrupts the p.Trp1382 amino acid residue in USH2A. Other variant(s) that disrupt this residue have been determined to be pathogenic (PMID: 25558175). This suggests that this residue is clinically significant, and that variants that disrupt this residue are likely to be disease-causing. Advanced modeling of protein sequence and biophysical properties (such as structural, functional, and spatial information, amino acid conservation, physicochemical variation, residue mobility, and thermodynamic stability) performed at Invitae indicates that this missense variant is expected to disrupt USH2A protein function. ClinVar contains an entry for this variant (Variation ID: 636120). This missense change has been observed in individuals with USH2A-related conditions (Invitae). This variant is present in population databases (rs753908845, gnomAD 0.004%). This sequence change replaces tryptophan, which is neutral and slightly polar, with cysteine, which is neutral and slightly polar, at codon 1382 of the USH2A protein (p.Trp1382Cys).

Blueprint Genetics
Classification: Uncertain significance. Last evaluated: 2021-12-22. Review status: criteria provided, single submitter. Criteria: ACMG Guidelines, 2015. Collection method: clinical testing. Allele origin: germline.

Department of Clinical Genetics, Copenhagen University Hospital, Rigshospitalet
Classification: Uncertain significance for Retinitis pigmentosa. Last evaluated: 2018-04-01. Review status: no assertion criteria provided. Collection method: research. Allele origin: unknown. Affected: yes. Study: VeluxRD. Not counted in ClinVar's aggregate classification.

Literature cited by the submitters: PubMed 30718709 (cited by Myriad Genetics, Inc. and Department of Clinical Genetics, Copenhagen University Hospital, Rigshospitalet); PubMed 25558175 (cited by Labcorp Genetics (formerly Invitae), Labcorp).

NM_206933.4(USH2A):c.4146G>C (p.Trp1382Cys)

Genes: USH2A (usherin; minus strand), USH2A-AS1 (USH2A antisense RNA 1; plus strand). Cytogenetic location: 1q41.
Variant type: single nucleotide variant.
Coding change: c.4146G>C on transcript NM_206933.4 (MANE Select); coding-DNA position 4146, G replaced by C.
Protein change: p.Trp1382Cys; replaces tryptophan 1382 with cysteine.
Molecular consequence: missense variant.
Genome position (GRCh38, 1-based): chr1:216,196,658, C>G on the plus strand (G>C on the coding strand, the complement: USH2A is on the minus strand). VCF-style: chr1-216196658-C-G. GRCh37 (hg19) VCF-style: chr1-216370000-C-G.
Other names: c.4146G>C, p.Trp1382Cys (NM_007123.6); short protein forms W1382C.
Identifiers: ClinVar variation 636120 (VCV000636120.10), dbSNP rs753908845, ClinGen allele CA1395796.